The following is an entry in ClinVar:

ClinVar aggregate classification (germline): Uncertain significance (1 of 4 stars; one submission).

Allele frequency attached by ClinVar (database versions not stated): gnomAD exomes below 0.00001.
gnomAD v4.1: 3 of 1,613,028 alleles (0.00019%); highest among the groups gnomAD compares: Non-Finnish European, 0.00025%; no homozygotes.

Submission:

GeneDx
Classification: Uncertain significance. Last evaluated: 2019-07-11. Review status: criteria provided, single submitter. Criteria: GeneDx Variant Classification Process June 2021. Collection method: clinical testing. Allele origin: germline. Affected: yes.
Comment: Not observed in large population cohorts (Lek et al., 2016); In silico analysis, which includes protein predictors and evolutionary conservation, supports that this variant does not alter protein structure/function; Has not been previously published as pathogenic or benign to our knowledge

NM_176787.5(PIGN):c.1343T>C (p.Val448Ala)

Gene: PIGN (phosphatidylinositol glycan anchor biosynthesis class N; minus strand). Cytogenetic location: 18q21.33.
Variant type: single nucleotide variant.
Coding change: c.1343T>C on transcript NM_176787.5 (MANE Select); coding-DNA position 1343, T replaced by C.
Protein change: p.Val448Ala; replaces valine 448 with alanine.
Molecular consequence: missense variant.
Genome position (GRCh38, 1-based): chr18:62,113,225, A>G on the plus strand (T>C on the coding strand, the complement: PIGN is on the minus strand). VCF-style: chr18-62113225-A-G. GRCh37 (hg19) VCF-style: chr18-59780458-A-G.
Other names: c.1343T>C, p.Val448Ala (NM_012327.6); short protein forms V448A.
Identifiers: ClinVar variation 1306959 (VCV001306959.2), dbSNP rs2146577635, ClinGen allele CA402605839.